The following is an entry in ClinVar:

ClinVar aggregate classification (germline): Likely pathogenic (1 of 4 stars; one submission).

Conditions:
Congenital secretory diarrhea, chloride type (DIAR1). Also called: CHLORIDE DIARRHEA, CONGENITAL, FINNISH TYPE; CHLORIDORRHEA, CONGENITAL; DIARRHEA 1, SECRETORY CHLORIDE, CONGENITAL. Identifiers: Orphanet 53689, MedGen C0267662, MONDO:0008964, OMIM 214700.

Submission:

3billion
Classification: Likely pathogenic for Congenital secretory diarrhea, chloride type. Last evaluated: 2025-10-15. Review status: criteria provided, single submitter. Criteria: ACMG Guidelines, 2015. Collection method: clinical testing. Allele origin: germline. Affected: yes.
Comment: The variant is not observed in the gnomAD v4.1.0 dataset. Predicted Consequence/Location: Canonical splice site: predicted to alter splicing and result in a loss or disruption of normal protein function. Multiple pathogenic loss-of-function variants are reported downstream of the variant. In silico tools predict the variant to alter splicing and produce an abnormal transcript [SpliceAI: 0.92 (spliceogenicity >=0.2, non-spliceogenicity <0.1)]. Therefore, this variant is classified as Likely pathogenic according to the recommendation of ACMG/AMP guideline.

NM_000111.3(SLC26A3):c.2205+1G>T

Gene: SLC26A3 (solute carrier family 26 member 3; minus strand). Cytogenetic location: 7q22.3.
Variant type: single nucleotide variant.
Coding change: c.2205+1G>T on transcript NM_000111.3 (MANE Select); the canonical splice donor site of the intron after coding-DNA position 2205, G replaced by T.
Molecular consequence: splice donor variant.
Genome position (GRCh38, 1-based): chr7:107,767,765, C>A on the plus strand (G>T on the coding strand, the complement: SLC26A3 is on the minus strand). VCF-style: chr7-107767765-C-A. GRCh37 (hg19) VCF-style: chr7-107408210-C-A.
Identifiers: ClinVar variation 4854370 (VCV004854370.1).